The following is an entry in ClinVar:

NM_006204.4(PDE6C):c.553G>A (p.Val185Met)

Gene: PDE6C (phosphodiesterase 6C; plus strand). Cytogenetic location: 10q23.33.
Variant type: single nucleotide variant.
Coding change: c.553G>A on transcript NM_006204.4 (MANE Select); coding-DNA position 553, G replaced by A.
Protein change: p.Val185Met; replaces valine 185 with methionine.
Molecular consequence: missense variant.
Genome position (GRCh38, 1-based): chr10:93,620,704, G>A. VCF-style: chr10-93620704-G-A. GRCh37 (hg19) VCF-style: chr10-95380461-G-A.
Other names: short protein forms V185M.
Identifiers: ClinVar variation 970606 (VCV000970606.11), dbSNP rs372506563, ClinGen allele CA5609878.

ClinVar aggregate classification (germline): Conflicting classifications of pathogenicity. Review status: criteria provided, conflicting classifications (1 of 4 stars). 3 submissions from 3 submitters: Uncertain significance (1); Likely benign (2). Last evaluated 2026-08-30.

Conditions:
PDE6C-related disorder. Also called: PDE6C-related condition.

Allele frequency attached by ClinVar (database versions not stated): gnomAD exomes 0.00006 and 0.00017; ESP Exome Variant Server 0.00008; TOPMed 0.00009; ExAC 0.00015; 1000 Genomes Project 30x 0.00016; 1000 Genomes Project 0.00020.
gnomAD v4.1: 100 of 1,614,136 alleles (0.0062%); highest among the groups gnomAD compares: South Asian, 0.058%; no homozygotes.

Submissions (3):

PreventionGenetics, part of Exact Sciences
Classification: Uncertain significance for PDE6C-related condition. Last evaluated: 2026-08-30. Review status: criteria provided, single submitter. Criteria: ACMG Guidelines, 2015. Collection method: clinical testing. Allele origin: germline.
Comment: The PDE6C c.553G>A variant is predicted to result in the amino acid substitution p.Val185Met. To our knowledge, this variant has not been reported in the literature in association with retinal disease. This variant is reported in 0.065% of alleles in individuals of Latino descent in gnomAD, which may be too frequent to be a primary cause of disease. Although we suspect that this variant may be benign, at this time, the clinical significance of this variant is uncertain due to the absence of conclusive functional and genetic evidence.

Labcorp Genetics (formerly Invitae), Labcorp
Classification: Likely benign. Last evaluated: 2025-08-04. Review status: criteria provided, single submitter. Criteria: Invitae Variant Classification Sherloc (09022015). Collection method: clinical testing. Allele origin: germline.

Blueprint Genetics
Classification: Likely benign. Last evaluated: 2024-02-13. Review status: criteria provided, single submitter. Criteria: ACMG Guidelines, 2015. Collection method: clinical testing. Allele origin: germline.